The following is an entry in ClinVar:

NM_004006.3(DMD):c.2645A>G (p.Asp882Gly)

Gene: DMD (dystrophin; minus strand). Cytogenetic location: Xp21.1.
Variant type: single nucleotide variant.
Coding change: c.2645A>G on transcript NM_004006.3 (MANE Select); coding-DNA position 2645, A replaced by G.
Protein change: p.Asp882Gly; replaces aspartic acid 882 with glycine.
Molecular consequence: missense variant. On other transcripts: no sequence alteration (2).
Genome position (GRCh38, 1-based): chrX:32,485,077, T>C on the plus strand (A>G on the coding strand, the complement: DMD is on the minus strand). VCF-style: chrX-32485077-T-C. GRCh37 (hg19) VCF-style: chrX-32503194-T-C.
Other names: c.2621A>G, p.Asp874Gly (NM_000109.4); c.2633=, p.Gly878= (NM_004009.3); c.2276=, p.Gly759= (NM_004010.3); short protein forms D882G, D874G.
Identifiers: ClinVar variation 166842 (VCV000166842.42), dbSNP rs228406, ClinGen allele CA179863.

ClinVar aggregate classification (germline): Benign. Review status: criteria provided, multiple submitters, no conflicts (2 of 4 stars). 12 submissions from 11 submitters: Benign (9). 3 of the submissions do not count toward it. Last evaluated 2026-02-04.

Conditions:
Duchenne muscular dystrophy (DMD). Also called: MUSCULAR DYSTROPHY, PSEUDOHYPERTROPHIC PROGRESSIVE, DUCHENNE TYPE; Duchenne Muscular Dystrophy (DMD). Identifiers: Orphanet 98896, MedGen C0013264, MONDO:0010679, OMIM 310200.
Becker muscular dystrophy (BMD). Also called: MUSCULAR DYSTROPHY, PSEUDOHYPERTROPHIC PROGRESSIVE, BECKER TYPE; Becker Muscular Dystrophy (BMD). Identifiers: Orphanet 98895, MedGen C0917713, MONDO:0010311, OMIM 300376.
Dystrophin deficiency.
Cardiomyopathy (CMYO). Also called: Cardiomyopathies. Identifiers: Orphanet 167848, MedGen C0878544, MONDO:0004994, HP:0001638. Inheritance: Various modes of inheritance.
Dilated cardiomyopathy 3B (CMD3B). Also called: CMD3B: DMD-Related Dilated Cardiomyopathy; CARDIOMYOPATHY, DILATED, X-LINKED; DMD-Associated Dilated Cardiomyopathy. Identifiers: Orphanet 154, MedGen C3668940, MONDO:0010542, OMIM 302045.

Allele frequency attached by ClinVar (database versions not stated): ESP Exome Variant Server 0.65022; TOPMed 0.67927; gnomAD 0.69509; ExAC 0.72107; gnomAD exomes 0.72824; 1000 Genomes Project 30x 0.74485; 1000 Genomes Project 0.74834.

Submissions (12):

Labcorp Genetics (formerly Invitae), Labcorp
Classification: Benign for Duchenne muscular dystrophy. Last evaluated: 2026-02-04. Review status: criteria provided, single submitter. Criteria: Invitae Variant Classification Sherloc (09022015). Collection method: clinical testing. Allele origin: germline.

ARUP Laboratories, Molecular Genetics and Genomics, ARUP Laboratories
Classification: Benign. Last evaluated: 2025-07-28. Review status: criteria provided, single submitter. Criteria: ARUP Molecular Germline Variant Investigation Process 2024. Collection method: clinical testing. Allele origin: germline.

Blueprint Genetics
Classification: Benign. Last evaluated: 2024-11-28. Review status: criteria provided, single submitter. Criteria: ACMG Guidelines, 2015. Collection method: clinical testing. Allele origin: germline.

Genome-Nilou Lab
Classification: Benign for Dilated cardiomyopathy 3B. Last evaluated: 2021-07-30. Review status: criteria provided, single submitter. Criteria: ACMG Guidelines, 2015. Collection method: clinical testing. Allele origin: germline. Affected: no.

Genome-Nilou Lab
Classification: Benign for Duchenne muscular dystrophy. Last evaluated: 2021-07-30. Review status: criteria provided, single submitter. Criteria: ACMG Guidelines, 2015. Collection method: clinical testing. Allele origin: germline. Affected: no.

GeneDx
Classification: Benign. Last evaluated: 2019-01-18. Review status: criteria provided, single submitter. Criteria: GeneDx Variant Classification Process June 2021. Collection method: clinical testing. Allele origin: germline. Affected: yes.
Comment: This variant is associated with the following publications: (PMID: 30342905, 29604111)

Eurofins Ntd Llc (ga)
Classification: Benign. Last evaluated: 2016-04-04. Review status: criteria provided, single submitter. Criteria: EGL Classification Definitions 2015. Collection method: clinical testing. Allele origin: germline. Observed: 615 variant alleles, 113 heterozygotes, 175 homozygotes, 327 hemizygotes.

Laboratory for Molecular Medicine, Mass General Brigham Personalized Medicine
Classification: Benign. Last evaluated: 2014-11-26. Review status: criteria provided, single submitter. Criteria: LMM Criteria. Collection method: clinical testing. Allele origin: germline. Observed: 447 variant alleles.
Comment: This is a RefSeq error. The reference base (c.2645A) is the minor allele. This a llele (A) has been identified in 34% (2268/6728) of European American chromosome s and 37% (1426/3833) of African American chromosomes by the NHLBI Exome Sequenc ing Project (dbSNP rs228406) and thus meets c riteria to be classified as benign.

Breakthrough Genomics
Classification: Benign. Review status: criteria provided, single submitter. Criteria: ACMG Guidelines, 2015. Collection method: not provided. Allele origin: germline. Inheritance: X-linked inheritance. Affected: yes.

Natera, Inc.
Classification: Benign for Becker muscular dystrophy; Cardiomyopathy; Duchenne muscular dystrophy; Dystrophin deficiency. Last evaluated: 2017-04-20. Review status: no assertion criteria provided. Collection method: clinical testing. Allele origin: germline. Not counted in ClinVar's aggregate classification.

Clinical Genetics, Academic Medical Center
Classification: Benign. Review status: no assertion criteria provided. Collection method: clinical testing. Allele origin: germline. Affected: yes. Study: VKGL Data-share Consensus. Not counted in ClinVar's aggregate classification.

Diagnostic Laboratory, Department of Genetics, University Medical Center Groningen
Classification: Benign. Review status: no assertion criteria provided. Collection method: clinical testing. Allele origin: germline. Affected: yes. Study: VKGL Data-share Consensus. Not counted in ClinVar's aggregate classification.